The following is an entry in ClinVar:

NM_005045.4(RELN):c.4897C>T (p.Leu1633Phe)

Gene: RELN (reelin; minus strand). Cytogenetic location: 7q22.1.
Variant type: single nucleotide variant.
Coding change: c.4897C>T on transcript NM_005045.4 (MANE Select); coding-DNA position 4897, C replaced by T.
Protein change: p.Leu1633Phe; replaces leucine 1633 with phenylalanine.
Molecular consequence: missense variant.
Genome position (GRCh38, 1-based): chr7:103,566,263, G>A on the plus strand (C>T on the coding strand, the complement: RELN is on the minus strand). VCF-style: chr7-103566263-G-A. GRCh37 (hg19) VCF-style: chr7-103206710-G-A.
Other names: c.4897C>T, p.Leu1633Phe (NM_173054.3); short protein forms L1633F.
Identifiers: ClinVar variation 5040191 (VCV005040191.1).
Genomic context (GRCh38, chr7:103,566,263, plus strand): 5'-TTATCTGGTGACAATATATACCTATGTTTTCAGTGAATATCAGAGCAGTATCCATAGAGA[G>A]ACAGTCAATATCAACTTGACCTCCTTGGATTCGATACCAGTTGGCTTGCAAATCTATAGA-3'
Protein context (NP_005036.2, residues 1623-1643): IQGGQVDIDC[Leu1633Phe]SMDTALIFTE

ClinVar aggregate classification (germline): Uncertain significance (1 of 4 stars; one submission).

Submission:

CeGaT Center for Human Genetics Tuebingen
Classification: Uncertain significance. Last evaluated: 2026-07-01. Review status: criteria provided, single submitter. Criteria: CeGaT Center For Human Genetics Tuebingen Variant Classification Criteria Version 2. Collection method: clinical testing. Allele origin: germline. Affected: yes. Observed: 1 variant allele.
Comment: RELN: PM2